The following is an entry in ClinVar:

NM_000083.3(CLCN1):c.1655A>G (p.Gln552Arg)

Gene: CLCN1 (chloride voltage-gated channel 1; plus strand). Cytogenetic location: 7q34.
Variant type: single nucleotide variant.
Coding change: c.1655A>G on transcript NM_000083.3 (MANE Select); coding-DNA position 1655, A replaced by G.
Protein change: p.Gln552Arg; replaces glutamine 552 with arginine.
Molecular consequence: missense variant. On other transcripts: non-coding transcript variant (1).
Genome position (GRCh38, 1-based): chr7:143,342,001, A>G. VCF-style: chr7-143342001-A-G. GRCh37 (hg19) VCF-style: chr7-143039094-A-G.
Other names: short protein forms Q552R.
Identifiers: ClinVar variation 17538 (VCV000017538.60), dbSNP rs80356696, ClinGen allele CA127249.

ClinVar aggregate classification (germline): Pathogenic/Likely pathogenic. Review status: criteria provided, multiple submitters, no conflicts (2 of 4 stars). 8 submissions from 8 submitters: Pathogenic (4); Likely pathogenic (2). 2 of the submissions do not count toward it. Last evaluated 2025-10-21.

Conditions:
Congenital myotonia, autosomal recessive form. Also called: myotonia congenita, autosomal recessive; BECKER DISEASE; Becker Generalized Myotonia. Identifiers: Orphanet 614, MedGen C0751360, MONDO:0009715, OMIM 255700.
Congenital myotonia, autosomal dominant form (THD). Also called: Myotonia congenita autosomal dominant; THOMSEN DISEASE. Identifiers: Orphanet 614, MedGen C2936781, MONDO:0008055, OMIM 160800.
Batten-Turner congenital myopathy. Also called: Myotonia congenita; Congenital myotonia. Identifiers: Orphanet 206973, MedGen C0027127, MONDO:0100468, OMIM 255300.
Myotonia levior. Identifiers: MedGen C0270959.

Allele frequency attached by ClinVar (database versions not stated): TOPMed 0.00001; gnomAD 0.00001.
gnomAD v4.1: 4 of 1,614,104 alleles (0.00025%); highest among the groups gnomAD compares: Non-Finnish European, 0.00034%; no homozygotes.

Submissions (8):

Variantyx, Inc.
Classification: Likely pathogenic for Congenital myotonia, autosomal dominant form. Last evaluated: 2025-10-21. Review status: criteria provided, single submitter. Criteria: Variantyx Assertion Criteria 2022. Collection method: clinical testing. Allele origin: germline. Inheritance: Autosomal recessive inheritance. Affected: yes.
Comment: This is a nonsynonymous variant in the CLCN1 gene (OMIM: 118425). Pathogenic variants in this gene have been associated with autosomal dominant myotonia congenita. This variant has been reported in at least 3 unrelated affected individuals (PMID: 7581380, 32670189, 33263785) (PS4). Functional studies have shown that this variant alters CLCN1 protein function (PMID: 8845168, 12456816) (PS3), and multiple computational algorithms predict a deleterious effect for this variant (REVEL score: 0.91) (PP3). This variant has a 0.0010% maximum allele frequency in non-founder control populations (PM2). Based on the current evidence, this variant is classified as likely pathogenic for autosomal dominant myotonia congenita.

Labcorp Genetics (formerly Invitae), Labcorp
Classification: Pathogenic for Congenital myotonia, autosomal recessive form; Congenital myotonia, autosomal dominant form. Last evaluated: 2025-07-07. Review status: criteria provided, single submitter. Criteria: Invitae Variant Classification Sherloc (09022015). Collection method: clinical testing. Allele origin: germline.
Comment: This sequence change replaces glutamine, which is neutral and polar, with arginine, which is basic and polar, at codon 552 of the CLCN1 protein (p.Gln552Arg). This variant is not present in population databases (gnomAD no frequency). This missense change has been observed in individuals with clinical features of autosomal dominant myotonia congenita (PMID: 7581380; internal data). It has also been observed to segregate with disease in related individuals. ClinVar contains an entry for this variant (Variation ID: 17538). Invitae Evidence Modeling of protein sequence and biophysical properties (such as structural, functional, and spatial information, amino acid conservation, physicochemical variation, residue mobility, and thermodynamic stability) indicates that this missense variant is expected to disrupt CLCN1 protein function with a positive predictive value of 95%. Experimental studies have shown that this missense change affects CLCN1 function (PMID: 8845168, 12456816). For these reasons, this variant has been classified as Pathogenic.

GeneDx
Classification: Pathogenic. Last evaluated: 2025-03-04. Review status: criteria provided, single submitter. Criteria: GeneDx Variant Classification Process June 2021. Collection method: clinical testing. Allele origin: germline. Affected: yes.
Comment: Published functional studies demonstrate a weak dominant negative effect and alteration of channel gating properties (PMID: 12456816); Reported as a heterozygous variant in patients with myotonia in published literature (PMID: 7581380, 32670189); Reported in a heterozygous state in a patient with a neuromuscular disease whose family history was consistent with autosomal dominant inheritance; however phenotype information and segregation data was not provided (PMID: 33263785); Reported in a patient with a neuromuscular disease and a family history consistent with autosomal recessive inheritance who also harbored a second CLCN1 variant; however, phenotype and segregation data were not provided (PMID: 33263785); Not observed at significant frequency in large population cohorts (gnomAD); In silico analysis supports that this missense variant has a deleterious effect on protein structure/function; This variant is associated with the following publications: (PMID: 18579381, 12210360, 18263754, 27324117, 8533761, 10619717, 11840191, 11933197, 24349310, 15786415, 9736777, 8845168, 12456818, 32670189, 33263785, 12456816, 7581380)

Athena Diagnostics
Classification: Pathogenic. Last evaluated: 2022-08-22. Review status: criteria provided, single submitter. Criteria: Athena Diagnostics Criteria. Collection method: clinical testing. Allele origin: unknown.
Comment: The frequency of this variant in the general population is consistent with pathogenicity, and in our internal patient population, this variant is statistically more frequent than in the general population, which is evidence it may be disease causing. This variant has been reported in multiple individuals and at least one family with autosomal dominant myotonia congenita (PMID: 32670189, 33263785, 7581380), however, it has also been reported in individuals with possible autosomal recessive myotonia congenita (PMID: 33263785). Assessment of experimental evidence suggests this variant results in abnormal protein function. Variant shifted voltage dependence of current activation to more positive voltages (PMID:12456816,8845168). In multiple individuals, this variant has been seen with a single recessive pathogenic variant in the same gene, suggesting this variant may also be pathogenic.

CeGaT Center for Human Genetics Tuebingen
Classification: Pathogenic. Last evaluated: 2018-07-01. Review status: criteria provided, single submitter. Criteria: CeGaT Center For Human Genetics Tuebingen Variant Classification Criteria Version 2. Collection method: clinical testing. Allele origin: germline. Affected: yes. Observed: 2 variant alleles.

Institute of Human Genetics, University of Leipzig Medical Center
Classification: Likely pathogenic for Congenital myotonia, autosomal dominant form. Last evaluated: 2017-06-23. Review status: criteria provided, single submitter. Criteria: ACMG Guidelines, 2015. Collection method: clinical testing. Allele origin: germline. Affected: yes. Observed: 1 variant allele.

OMIM
Classification: Pathogenic for MYOTONIA LEVIOR. Last evaluated: 2002-12-01. Review status: no assertion criteria provided. Collection method: literature only. Allele origin: germline. Not counted in ClinVar's aggregate classification.

GeneReviews
No classification provided. Condition: Batten-Turner congenital myopathy. Review status: no classification provided. Collection method: literature only. Allele origin: unknown. Not counted in ClinVar's aggregate classification.

Literature cited by the submitters: PubMed 7581380 (cited by 5 submitters); PubMed 32670189 (cited by Variantyx, Inc. and Athena Diagnostics); PubMed 33263785 (cited by Variantyx, Inc. and Athena Diagnostics); PubMed 8845168 (cited by 3 submitters); PubMed 12456816 (cited by 4 submitters); PubMed 8533761 (cited by Athena Diagnostics); PubMed 15786415 (cited by Athena Diagnostics); PubMed 24349310 (cited by Athena Diagnostics); PubMed 9736777 (cited by Athena Diagnostics); PubMed 20301529 (cited by GeneReviews); NCBI Bookshelf NBK1355 (cited by GeneReviews).